The following is an entry in ClinVar:

ClinVar aggregate classification (germline): Likely pathogenic. Review status: criteria provided, multiple submitters, no conflicts (2 of 4 stars). 6 submissions from 6 submitters: Likely pathogenic (6). Last evaluated 2025-03-04.

Conditions:
Hereditary cancer-predisposing syndrome. Also called: Neoplastic Syndromes, Hereditary; Tumor predisposition; Hereditary neoplastic syndrome; Hereditary Cancer Syndrome. Identifiers: Orphanet 140162, MedGen C0027672, MeSH D009386, MONDO:0015356.
Familial adenomatous polyposis 2. Also called: COLORECTAL ADENOMATOUS POLYPOSIS, AUTOSOMAL RECESSIVE; ADENOMAS, MULTIPLE COLORECTAL, AUTOSOMAL RECESSIVE; MUTYH-associated polyposis; FAP type 2; MUTYH-related attenuated familial adenomatous polyposis; Adenomas, multiple colorectal. Identifiers: Orphanet 220460, Orphanet 247798, MedGen C3272841, MONDO:0012041, OMIM 608456.

Allele frequency attached by ClinVar (database versions not stated): ExAC 0.00001; gnomAD 0.00001; TOPMed 0.00001.
gnomAD v4.1: 7 of 1,614,090 alleles (0.00043%); highest among the groups gnomAD compares: East Asian, 0.0022%; no homozygotes.

Submissions (6):

Color Diagnostics, LLC DBA Color Health
Classification: Likely pathogenic for Hereditary cancer-predisposing syndrome. Last evaluated: 2025-03-04. Review status: criteria provided, single submitter. Criteria: ACMG Guidelines, 2015. Collection method: clinical testing. Allele origin: germline.
Comment: This missense variant replaces arginine with proline at codon 109 of the MUTYH protein. Computational prediction suggests that this variant may have deleterious impact on protein structure and function. To our knowledge, functional studies have not been reported for this variant. This variant has been identified in trans with a pathogenic variant in at least one individual affected with colonic polyposis (communication with an external laboratory). A different variant affecting the same codon, c.325C>T (p.Arg109Trp), is considered to be disease-causing (ClinVar variation ID: 169641), suggesting that Arg at this position is important for the protein function. This variant has been identified in 1/251482 chromosomes in the general population by the Genome Aggregation Database (gnomAD). Based on the available evidence, this variant is classified as Likely Pathogenic.

Labcorp Genetics (formerly Invitae), Labcorp
Classification: Likely pathogenic for Familial adenomatous polyposis 2. Last evaluated: 2024-10-29. Review status: criteria provided, single submitter. Criteria: Invitae Variant Classification Sherloc (09022015). Collection method: clinical testing. Allele origin: germline.
Comment: This sequence change replaces arginine, which is basic and polar, with proline, which is neutral and non-polar, at codon 109 of the MUTYH protein (p.Arg109Pro). This variant is present in population databases (rs761763725, gnomAD 0.006%). This missense change has been observed in individual(s) with colonic polyposis (internal data). In at least one individual the data is consistent with being in trans (on the opposite chromosome) from a pathogenic variant. ClinVar contains an entry for this variant (Variation ID: 464711). An algorithm developed to predict the effect of missense changes on protein structure and function (PolyPhen-2) suggests that this variant is likely to be disruptive. This variant disrupts the p.Arg109 amino acid residue in MUTYH. Other variant(s) that disrupt this residue have been determined to be pathogenic (PMID: 19732775, 21520333, 24799981, 25980754). This suggests that this residue is clinically significant, and that variants that disrupt this residue are likely to be disease-causing. In summary, the currently available evidence indicates that the variant is pathogenic, but additional data are needed to prove that conclusively. Therefore, this variant has been classified as Likely Pathogenic.

Ambry Genetics
Classification: Likely pathogenic for Hereditary cancer-predisposing syndrome. Last evaluated: 2024-10-14. Review status: criteria provided, single submitter. Criteria: Ambry Variant Classification Scheme 2023. Collection method: clinical testing. Allele origin: germline.
Comment: The p.R109P variant (also known as c.326G>C), located in coding exon 3 of the MUTYH gene, results from a G to C substitution at nucleotide position 326. The arginine at codon 109 is replaced by proline, an amino acid with dissimilar properties. Another alteration at the same codon, p.R109W, has been classified as likely pathogenic based on instances of co-occurrence with pathogenic MUTYH mutations in patients with adenomatous polyposis and reduced MUTYH protein activity in a functional assay (Ambry internal data; Vogt et al. Gastroenterology 2009 Dec;137(6):1976-85.e1-10; Shinmura K et al. Oxid. Med. Cell Longev. 2014 Mar;2014:617351). This variant is considered to be rare based on population cohorts in the Genome Aggregation Database (gnomAD). This amino acid position is highly conserved in available vertebrate species. In addition, this alteration is predicted to be deleterious by in silico analysis. Based on the majority of available evidence to date, this variant is likely to be pathogenic.

Mayo Clinic Laboratories, Mayo Clinic
Classification: Likely pathogenic. Last evaluated: 2024-07-30. Review status: criteria provided, single submitter. Criteria: ACMG Guidelines, 2015. Collection method: clinical testing. Allele origin: germline.
Comment: PM2_sup, PP3_mod, PM5, PM3_sup

Myriad Genetics, Inc.
Classification: Likely pathogenic for Familial adenomatous polyposis 2. Last evaluated: 2024-06-05. Review status: criteria provided, single submitter. Criteria: Myriad Autosomal Dominant, Autosomal Recessive and X-Linked Classification Criteria (2023). Collection method: clinical testing. Allele origin: unknown.
Comment: This variant is considered likely pathogenic. This variant has been reported in multiple individuals with clinical features of gene-specific disease [Myriad internal data]. This variant is expected to disrupt protein structure [Myriad internal data].

Baylor Genetics
Classification: Likely pathogenic for Familial adenomatous polyposis 2. Last evaluated: 2023-03-17. Review status: criteria provided, single submitter. Criteria: ACMG Guidelines, 2015. Collection method: clinical testing. Allele origin: unknown.

Literature cited by the submitters: PubMed 19732775 (cited by Labcorp Genetics (formerly Invitae), Labcorp); PubMed 21520333 (cited by Labcorp Genetics (formerly Invitae), Labcorp); PubMed 24799981 (cited by Labcorp Genetics (formerly Invitae), Labcorp); PubMed 25980754 (cited by Labcorp Genetics (formerly Invitae), Labcorp).

NM_001048174.2(MUTYH):c.242G>C (p.Arg81Pro)

Gene: MUTYH (mutY DNA glycosylase; minus strand). Cytogenetic location: 1p34.1.
Variant type: single nucleotide variant.
Coding change: c.242G>C on transcript NM_001048174.2 (MANE Select); coding-DNA position 242, G replaced by C.
Protein change: p.Arg81Pro; replaces arginine 81 with proline.
Molecular consequence: missense variant. On other transcripts: 5 prime UTR variant (4), non-coding transcript variant (2).
Genome position (GRCh38, 1-based): chr1:45,333,435, C>G on the plus strand (G>C on the coding strand, the complement: MUTYH is on the minus strand). VCF-style: chr1-45333435-C-G. GRCh37 (hg19) VCF-style: chr1-45799107-C-G.
Other names: p.Arg109Pro; c.242G>C, p.Arg81Pro (NM_001048171.2, NM_001048173.2, NM_001293195.2); c.245G>C, p.Arg82Pro (NM_001048172.2); c.326G>C, p.Arg109Pro (NM_001128425.2); c.287G>C, p.Arg96Pro (NM_001293190.2); c.275G>C, p.Arg92Pro (NM_001293191.2); c.-35G>C (NM_001293192.2, NM_001293196.2); c.-30G>C (NM_001350650.2, NM_001350651.2); and 1 more; short protein forms R109P, R82P, R81P, R106P, R96P, R92P.
Identifiers: ClinVar variation 464711 (VCV000464711.29), dbSNP rs761763725, ClinGen allele CA057382.